The following is an entry in ClinVar:

NM_030632.3(ASXL3):c.5433G>C (p.Leu1811Phe)

Gene: ASXL3 (ASXL transcriptional regulator 3; plus strand). Cytogenetic location: 18q12.1.
Variant type: single nucleotide variant.
Coding change: c.5433G>C on transcript NM_030632.3 (MANE Select); coding-DNA position 5433, G replaced by C.
Protein change: p.Leu1811Phe; replaces leucine 1811 with phenylalanine.
Molecular consequence: missense variant.
Genome position (GRCh38, 1-based): chr18:33,745,281, G>C. VCF-style: chr18-33745281-G-C. GRCh37 (hg19) VCF-style: chr18-31325245-G-C.
Other names: short protein forms L1811F.
Identifiers: ClinVar variation 1312776 (VCV001312776.2), dbSNP rs2145432145, ClinGen allele CA402194293.

ClinVar aggregate classification (germline): Uncertain significance (1 of 4 stars; one submission).

Submission:

GeneDx
Classification: Uncertain significance. Last evaluated: 2020-06-29. Review status: criteria provided, single submitter. Criteria: GeneDx Variant Classification Process June 2021. Collection method: clinical testing. Allele origin: germline. Affected: yes.
Comment: Not observed in large population cohorts (Lek et al., 2016); In silico analysis supports that this missense variant does not alter protein structure/function; Has not been previously published as pathogenic or benign to our knowledge